The following is an entry in ClinVar:

ClinVar aggregate classification (germline): Uncertain significance. Review status: criteria provided, multiple submitters, no conflicts (2 of 4 stars). 2 submissions from 2 submitters: Uncertain significance (2). Last evaluated 2024-04-11.

Conditions:
Fanconi anemia complementation group J. Also called: BRIP1-Related Fanconi Anemia. Identifiers: Orphanet 84, MedGen C1836860, MONDO:0012187, OMIM 609054.
Familial cancer of breast. Also called: BREAST CANCER, FAMILIAL; hereditary breast carcinoma; Hereditary breast cancer. Identifiers: Orphanet 227535, MedGen C0346153, MONDO:0016419, OMIM 114480. Disease mechanism: loss of function.
Hereditary cancer-predisposing syndrome. Also called: Hereditary neoplastic syndrome; Neoplastic Syndromes, Hereditary; Hereditary Cancer Syndrome; Tumor predisposition. Identifiers: Orphanet 140162, MedGen C0027672, MeSH D009386, MONDO:0015356.

Allele frequency attached by ClinVar (database versions not stated): gnomAD exomes below 0.00001.
gnomAD v4.1: 1 of 1,613,634 alleles (0.000062%); highest among the groups gnomAD compares: Non-Finnish European, 0.000085%; no homozygotes.

Submissions (2):

Labcorp Genetics (formerly Invitae), Labcorp
Classification: Uncertain significance for Familial cancer of breast; Fanconi anemia complementation group J. Last evaluated: 2024-04-11. Review status: criteria provided, single submitter. Criteria: Invitae Variant Classification Sherloc (09022015). Collection method: clinical testing. Allele origin: germline.
Comment: This sequence change replaces cysteine, which is neutral and slightly polar, with arginine, which is basic and polar, at codon 42 of the BRIP1 protein (p.Cys42Arg). This variant is not present in population databases (gnomAD no frequency). This variant has not been reported in the literature in individuals affected with BRIP1-related conditions. ClinVar contains an entry for this variant (Variation ID: 570606). Advanced modeling of protein sequence and biophysical properties (such as structural, functional, and spatial information, amino acid conservation, physicochemical variation, residue mobility, and thermodynamic stability) performed at Invitae indicates that this missense variant is expected to disrupt BRIP1 protein function with a positive predictive value of 80%. In summary, the available evidence is currently insufficient to determine the role of this variant in disease. Therefore, it has been classified as a Variant of Uncertain Significance.

Ambry Genetics
Classification: Uncertain significance for Hereditary cancer-predisposing syndrome. Last evaluated: 2022-11-19. Review status: criteria provided, single submitter. Criteria: Ambry Variant Classification Scheme 2023. Collection method: clinical testing. Allele origin: germline.
Comment: The p.C42R variant (also known as c.124T>C), located in coding exon 2 of the BRIP1 gene, results from a T to C substitution at nucleotide position 124. The cysteine at codon 42 is replaced by arginine, an amino acid with highly dissimilar properties. This amino acid position is conserved. In addition, this alteration is predicted to be deleterious by in silico analysis. Since supporting evidence is limited at this time, the clinical significance of this alteration remains unclear.

NM_032043.3(BRIP1):c.124T>C (p.Cys42Arg)

Gene: BRIP1 (BRCA1 interacting DNA helicase 1; minus strand). Cytogenetic location: 17q23.2.
Variant type: single nucleotide variant.
Coding change: c.124T>C on transcript NM_032043.3 (MANE Select); coding-DNA position 124, T replaced by C.
Protein change: p.Cys42Arg; replaces cysteine 42 with arginine.
Molecular consequence: missense variant.
Genome position (GRCh38, 1-based): chr17:61,859,877, A>G on the plus strand (T>C on the coding strand, the complement: BRIP1 is on the minus strand). VCF-style: chr17-61859877-A-G. GRCh37 (hg19) VCF-style: chr17-59937238-A-G.
Other names: short protein forms C42R.
Identifiers: ClinVar variation 570606 (VCV000570606.11), dbSNP rs1567877037, ClinGen allele CA400485819.